The following is an entry in ClinVar:

NM_004006.3(DMD):c.1114G>A (p.Val372Met)

Gene: DMD (dystrophin; minus strand). Cytogenetic location: Xp21.1.
Variant type: single nucleotide variant.
Coding change: c.1114G>A on transcript NM_004006.3 (MANE Select); coding-DNA position 1114, G replaced by A.
Protein change: p.Val372Met; replaces valine 372 with methionine.
Molecular consequence: missense variant.
Genome position (GRCh38, 1-based): chrX:32,644,999, C>T on the plus strand (G>A on the coding strand, the complement: DMD is on the minus strand). VCF-style: chrX-32644999-C-T. GRCh37 (hg19) VCF-style: chrX-32663116-C-T.
Other names: c.1090G>A, p.Val364Met (NM_000109.4); c.1102G>A, p.Val368Met (NM_004009.3); c.745G>A, p.Val249Met (NM_004010.3); short protein forms V364M, V372M, V249M, V368M.
Identifiers: ClinVar variation 1795960 (VCV001795960.2), dbSNP rs747254030, ClinGen allele CA10379970.

ClinVar aggregate classification (germline): Uncertain significance (1 of 4 stars; one submission).

Conditions:
Cardiovascular phenotype. Identifiers: MedGen CN230736.

Allele frequency attached by ClinVar (database versions not stated): gnomAD exomes below 0.00001; TOPMed 0.00001; ExAC 0.00002; gnomAD 0.00005; 1000 Genomes Project 0.00053; 1000 Genomes Project 30x 0.00062.
gnomAD v4.1: 6 of 1,209,864 alleles (0.0005%); highest among the groups gnomAD compares: African/African-American, 0.007%; no homozygotes.

Submission:

Ambry Genetics
Classification: Uncertain significance for Cardiovascular phenotype. Last evaluated: 2021-07-16. Review status: criteria provided, single submitter. Criteria: Ambry Variant Classification Scheme 2023. Collection method: clinical testing. Allele origin: germline.
Comment: The p.V372M variant (also known as c.1114G>A), located in coding exon 10 of the DMD gene, results from a G to A substitution at nucleotide position 1114. The valine at codon 372 is replaced by methionine, an amino acid with highly similar properties. Based on data from gnomAD, the A allele has an overall frequency of 0.001461% (3/205319) total alleles studied, with 0 hemizygote(s) observed. The highest observed frequency was 0.01575% (3/19043) of African American alleles. This amino acid position is highly conserved in available vertebrate species. In addition, the in silico prediction for this alteration is inconclusive. Since supporting evidence is limited at this time, the clinical significance of this alteration remains unclear.